The following is an entry in ClinVar:

ClinVar aggregate classification (germline): Uncertain significance. Review status: criteria provided, multiple submitters, no conflicts (2 of 4 stars). 2 submissions from 2 submitters: Uncertain significance (2). Last evaluated 2025-06-09.

Conditions:
Hereditary cancer-predisposing syndrome. Also called: Neoplastic Syndromes, Hereditary; Tumor predisposition; Hereditary neoplastic syndrome; Hereditary Cancer Syndrome. Identifiers: Orphanet 140162, MedGen C0027672, MeSH D009386, MONDO:0015356.

Submissions (2):

Ambry Genetics
Classification: Uncertain significance for Hereditary cancer-predisposing syndrome. Last evaluated: 2025-06-09. Review status: criteria provided, single submitter. Criteria: Ambry Variant Classification Scheme 2023. Collection method: clinical testing. Allele origin: germline.
Comment: The p.K239N variant (also known as c.717G>T), located in coding exon 2 of the HOXB13 gene, results from a G to T substitution at nucleotide position 717. The lysine at codon 239 is replaced by asparagine, an amino acid with similar properties. This amino acid position is highly conserved in available vertebrate species. In addition, the in silico prediction for this alteration is inconclusive. Based on the available evidence, the clinical significance of this variant remains unclear.

Labcorp Genetics (formerly Invitae), Labcorp
Classification: Uncertain significance. Last evaluated: 2024-07-08. Review status: criteria provided, single submitter. Criteria: Invitae Variant Classification Sherloc (09022015). Collection method: clinical testing. Allele origin: germline.
Comment: This sequence change replaces lysine, which is basic and polar, with asparagine, which is neutral and polar, at codon 239 of the HOXB13 protein (p.Lys239Asn). This variant is not present in population databases (gnomAD no frequency). This variant has not been reported in the literature in individuals affected with HOXB13-related conditions. ClinVar contains an entry for this variant (Variation ID: 826890). Advanced modeling of protein sequence and biophysical properties (such as structural, functional, and spatial information, amino acid conservation, physicochemical variation, residue mobility, and thermodynamic stability) has been performed at Invitae for this missense variant, however the output from this modeling did not meet the statistical confidence thresholds required to predict the impact of this variant on HOXB13 protein function. In summary, the available evidence is currently insufficient to determine the role of this variant in disease. Therefore, it has been classified as a Variant of Uncertain Significance.

NM_006361.6(HOXB13):c.717G>T (p.Lys239Asn)

Gene: HOXB13 (homeobox B13; minus strand). Cytogenetic location: 17q21.32.
Variant type: single nucleotide variant.
Coding change: c.717G>T on transcript NM_006361.6 (MANE Select); coding-DNA position 717, G replaced by T.
Protein change: p.Lys239Asn; replaces lysine 239 with asparagine.
Molecular consequence: missense variant.
Genome position (GRCh38, 1-based): chr17:48,726,928, C>A on the plus strand (G>T on the coding strand, the complement: HOXB13 is on the minus strand). VCF-style: chr17-48726928-C-A. GRCh37 (hg19) VCF-style: chr17-46804290-C-A.
Other names: short protein forms K239N.
Identifiers: ClinVar variation 826890 (VCV000826890.14), dbSNP rs1597932762, ClinGen allele CA400106353.